The following is an entry in ClinVar:

NM_032119.4(ADGRV1):c.18715C>G (p.Pro6239Ala)

Gene: ADGRV1 (adhesion G protein-coupled receptor V1; plus strand). Cytogenetic location: 5q14.3.
Variant type: single nucleotide variant.
Coding change: c.18715C>G on transcript NM_032119.4 (MANE Select); coding-DNA position 18715, C replaced by G.
Protein change: p.Pro6239Ala; replaces proline 6239 with alanine.
Molecular consequence: missense variant. On other transcripts: non-coding transcript variant (1).
Genome position (GRCh38, 1-based): chr5:91,153,311, C>G. VCF-style: chr5-91153311-C-G. GRCh37 (hg19) VCF-style: chr5-90449128-C-G.
Other names: short protein forms P6239A.
Identifiers: ClinVar variation 2013375 (VCV002013375.4), dbSNP rs2533412736, ClinGen allele CA360432634.

ClinVar aggregate classification (germline): Uncertain significance (1 of 4 stars; one submission).

Submission:

Labcorp Genetics (formerly Invitae), Labcorp
Classification: Uncertain significance. Last evaluated: 2024-11-11. Review status: criteria provided, single submitter. Criteria: Invitae Variant Classification Sherloc (09022015). Collection method: clinical testing. Allele origin: germline.
Comment: This sequence change replaces proline, which is neutral and non-polar, with alanine, which is neutral and non-polar, at codon 6239 of the ADGRV1 protein (p.Pro6239Ala). This variant is not present in population databases (gnomAD no frequency). This variant has not been reported in the literature in individuals affected with ADGRV1-related conditions. ClinVar contains an entry for this variant (Variation ID: 2013375). An algorithm developed to predict the effect of missense changes on protein structure and function (PolyPhen-2) suggests that this variant is likely to be disruptive. In summary, the available evidence is currently insufficient to determine the role of this variant in disease. Therefore, it has been classified as a Variant of Uncertain Significance.